The following is an entry in ClinVar:

ClinVar aggregate classification (germline): Uncertain significance (1 of 4 stars; one submission).

Conditions:
Hereditary cancer-predisposing syndrome. Also called: Tumor predisposition; Neoplastic Syndromes, Hereditary; Hereditary Cancer Syndrome; Hereditary neoplastic syndrome. Identifiers: Orphanet 140162, MedGen C0027672, MeSH D009386, MONDO:0015356.

Submission:

Ambry Genetics
Classification: Uncertain significance for Hereditary cancer-predisposing syndrome. Last evaluated: 2020-01-29. Review status: criteria provided, single submitter. Criteria: Ambry Variant Classification Scheme 2023. Collection method: clinical testing. Allele origin: germline.
Comment: The p.G1064V variant (also known as c.3191G>T), located in coding exon 22 of the SMARCA4 gene, results from a G to T substitution at nucleotide position 3191. The glycine at codon 1064 is replaced by valine, an amino acid with dissimilar properties. This amino acid position is highly conserved in available vertebrate species. In addition, this alteration is predicted to be deleterious by in silico analysis. Since supporting evidence is limited at this time, the clinical significance of this alteration remains unclear.

NM_003072.5(SMARCA4):c.3191G>T (p.Gly1064Val)

Gene: SMARCA4 (SWI/SNF related BAF chromatin remodeling complex subunit ATPase 4; plus strand). Cytogenetic location: 19p13.2.
Variant type: single nucleotide variant.
Coding change: c.3191G>T on transcript NM_003072.5 (MANE Select); coding-DNA position 3191, G replaced by T.
Protein change: p.Gly1064Val; replaces glycine 1064 with valine.
Molecular consequence: missense variant. On other transcripts: non-coding transcript variant (1).
Genome position (GRCh38, 1-based): chr19:11,026,322, G>T. VCF-style: chr19-11026322-G-T. GRCh37 (hg19) VCF-style: chr19-11136998-G-T.
Other names: c.3191G>T, p.Gly1064Val (NM_001128844.3, NM_001128845.2, NM_001128846.2 and 6 more transcripts); short protein forms G1064V.
Identifiers: ClinVar variation 1728680 (VCV001728680.2), dbSNP rs2146516054, ClinGen allele CA404060114.